The following is an entry in ClinVar:

NM_005751.5(AKAP9):c.10486G>T (p.Ala3496Ser)

Gene: AKAP9 (A-kinase anchoring protein 9; plus strand). Cytogenetic location: 7q21.2.
Variant type: single nucleotide variant.
Coding change: c.10486G>T on transcript NM_005751.5 (MANE Select); coding-DNA position 10486, G replaced by T.
Protein change: p.Ala3496Ser; replaces alanine 3496 with serine.
Molecular consequence: missense variant.
Genome position (GRCh38, 1-based): chr7:92,097,673, G>T. VCF-style: chr7-92097673-G-T. GRCh37 (hg19) VCF-style: chr7-91726987-G-T.
Other names: c.5131G>T, p.Ala1711Ser (NM_001379277.1); c.10462G>T, p.Ala3488Ser (NM_147185.3); short protein forms A1711S, A3496S, A3488S.
Identifiers: ClinVar variation 959117 (VCV000959117.9), dbSNP rs759219564, ClinGen allele CA368156554.

ClinVar aggregate classification (germline): Uncertain significance (1 of 4 stars; one submission).

Conditions:
Long QT syndrome (LQTS). Identifiers: MedGen C0023976, MeSH D008133, MONDO:0002442. Disease mechanism: loss of function. Inheritance: Various modes of inheritance.

gnomAD v4.1: 13 of 1,613,972 alleles (0.00081%); highest among the groups gnomAD compares: African/African-American, 0.0013%; no homozygotes.

Submission:

Labcorp Genetics (formerly Invitae), Labcorp
Classification: Uncertain significance for Long QT syndrome. Last evaluated: 2019-09-09. Review status: criteria provided, single submitter. Criteria: Invitae Variant Classification Sherloc (09022015). Collection method: clinical testing. Allele origin: germline.
Comment: In summary, the available evidence is currently insufficient to determine the role of this variant in disease. Therefore, it has been classified as a Variant of Uncertain Significance. Algorithms developed to predict the effect of missense changes on protein structure and function (SIFT, PolyPhen-2, Align-GVGD) all suggest that this variant is likely to be tolerated, but these predictions have not been confirmed by published functional studies and their clinical significance is uncertain. This variant has not been reported in the literature in individuals with AKAP9-related conditions. This variant is not present in population databases (ExAC no frequency). This sequence change replaces alanine with serine at codon 3496 of the AKAP9 protein (p.Ala3496Ser). The alanine residue is weakly conserved and there is a moderate physicochemical difference between alanine and serine.